The following is an entry in ClinVar:

NM_001540.5(HSPB1):c.*22C>T

Gene: HSPB1 (heat shock protein family B (small) member 1; plus strand). Cytogenetic location: 7q11.23.
Variant type: single nucleotide variant.
Coding change: c.*22C>T on transcript NM_001540.5 (MANE Select); 22 bases downstream of the stop codon, C replaced by T.
Molecular consequence: 3 prime UTR variant.
Genome position (GRCh38, 1-based): chr7:76,304,195, C>T. VCF-style: chr7-76304195-C-T. GRCh37 (hg19) VCF-style: chr7-75933512-C-T.
Identifiers: ClinVar variation 909721 (VCV000909721.6), dbSNP rs557532119, ClinGen allele CA4306466.

ClinVar aggregate classification (germline): Benign/Likely benign. Review status: criteria provided, multiple submitters, no conflicts (2 of 4 stars). 4 submissions from 3 submitters: Benign (1); Likely benign (3). Last evaluated 2020-03-07.

Conditions:
Neuronopathy, distal hereditary motor, type 2B. Also called: NEURONOPATHY, DISTAL HEREDITARY MOTOR, AUTOSOMAL DOMINANT 3; NEURONOPATHY, DISTAL HEREDITARY MOTOR, HARDING TYPE IIB; NEUROPATHY, DISTAL HEREDITARY MOTOR, HARDING TYPE IIB; HMN IIB. Identifiers: Orphanet 139525, MedGen C2608087, MONDO:0012080, OMIM 608634.
Charcot-Marie-Tooth disease axonal type 2F (CMT2F). Also called: CHARCOT-MARIE-TOOTH DISEASE, NEURONAL, TYPE 2F; Charcot-Marie-Tooth Neuropathy Type 2F. Identifiers: Orphanet 99940, MedGen C1847823, MONDO:0011687, OMIM 606595.

Allele frequency attached by ClinVar (database versions not stated): TOPMed 0.00011; 1000 Genomes Project 30x 0.00094; 1000 Genomes Project 0.00120; gnomAD exomes 0.00147 and 0.00365; gnomAD 0.00286 and 0.00300; ExAC 0.00296.
gnomAD v4.1: 2,560 of 1,597,478 alleles (0.16%); highest among the groups gnomAD compares: Non-Finnish European, 0.012%; 46 homozygotes.

Submissions (4):

GeneDx
Classification: Likely benign. Last evaluated: 2020-03-07. Review status: criteria provided, single submitter. Criteria: GeneDx Variant Classification Process June 2021. Collection method: clinical testing. Allele origin: germline. Affected: yes.
Comment: See Variant Classification Assertion Criteria.

Illumina Laboratory Services, Illumina
Classification: Benign for Neuronopathy, distal hereditary motor, type 2B. Last evaluated: 2018-01-13. Review status: criteria provided, single submitter. Criteria: ICSL Variant Classification Criteria 13 December 2019. Collection method: clinical testing. Allele origin: germline.
Comment: This variant was observed in the ICSL laboratory as part of a predisposition screen in an ostensibly healthy population. It had not been previously curated by ICSL or reported in the Human Gene Mutation Database (HGMD: prior to June 1st, 2018), and was therefore a candidate for classification through an automated scoring system. Utilizing variant allele frequency, disease prevalence and penetrance estimates, and inheritance mode, an automated score was calculated to assess if this variant is too frequent to cause the disease. Based on the score and internal cut-off values, a variant classified as benign is not then subjected to further curation. The score for this variant resulted in a classification of benign for this disease.

Illumina Laboratory Services, Illumina
Classification: Likely benign for Charcot-Marie-Tooth disease axonal type 2F. Last evaluated: 2018-01-13. Review status: criteria provided, single submitter. Criteria: ICSL Variant Classification Criteria 13 December 2019. Collection method: clinical testing. Allele origin: germline.
Comment: This variant was observed in the ICSL laboratory as part of a predisposition screen in an ostensibly healthy population. It had not been previously curated by ICSL or reported in the Human Gene Mutation Database (HGMD: prior to June 1st, 2018), and was therefore a candidate for classification through an automated scoring system. Utilizing variant allele frequency, disease prevalence and penetrance estimates, and inheritance mode, an automated score was calculated to assess if this variant is too frequent to cause the disease. Based on the score and internal cut-off values, a variant classified as likely benign is not then subjected to further curation. The score for this variant resulted in a classification of likely benign for this disease.

Breakthrough Genomics
Classification: Likely benign. Review status: criteria provided, single submitter. Criteria: ACMG Guidelines, 2015. Collection method: not provided. Allele origin: germline. Inheritance: Autosomal dominant inheritance. Affected: yes.